The following is an entry in ClinVar:

NM_001122752.2(SERPINI1):c.106C>T (p.Arg36Cys)

Gene: SERPINI1 (serpin family I member 1; plus strand). Cytogenetic location: 3q26.1.
Variant type: single nucleotide variant.
Coding change: c.106C>T on transcript NM_001122752.2 (MANE Select); coding-DNA position 106, C replaced by T.
Protein change: p.Arg36Cys; replaces arginine 36 with cysteine.
Molecular consequence: missense variant.
Genome position (GRCh38, 1-based): chr3:167,789,234, C>T. VCF-style: chr3-167789234-C-T. GRCh37 (hg19) VCF-style: chr3-167507022-C-T.
Other names: c.106C>T, p.Arg36Cys (NM_005025.5); short protein forms R36C.
Identifiers: ClinVar variation 466611 (VCV000466611.8), dbSNP rs61735306, ClinGen allele CA87835648.
Genomic context (GRCh38, chr3:167,789,234, plus strand): 5'-GCTACAGGGGCCACTTTCCCTGAGGAAGCCATTGCTGACTTGTCAGTGAATATGTATAAT[C>T]GTCTTAGAGCCACTGGTGAAGATGAAAATATTCTCTTCTCTCCATTGAGTATTGCTCTTG-3'
Protein context (NP_001116224.1, residues 26-46): IADLSVNMYN[Arg36Cys]LRATGEDENI

ClinVar aggregate classification (germline): Uncertain significance (1 of 4 stars; one submission).

Conditions:
Familial encephalopathy with neuroserpin inclusion bodies. Also called: ENCEPHALOPATHY, FAMILIAL, WITH COLLINS BODIES. Identifiers: Orphanet 85110, MedGen C1858680, MONDO:0011412, OMIM 604218.

Allele frequency attached by ClinVar (database versions not stated): TOPMed 0.00001.
gnomAD v4.1: 9 of 1,614,006 alleles (0.00056%); highest among the groups gnomAD compares: Admixed American, 0.005%; no homozygotes.

Submission:

Labcorp Genetics (formerly Invitae), Labcorp
Classification: Uncertain significance for Familial encephalopathy with neuroserpin inclusion bodies. Last evaluated: 2024-08-05. Review status: criteria provided, single submitter. Criteria: Invitae Variant Classification Sherloc (09022015). Collection method: clinical testing. Allele origin: germline.
Comment: This sequence change replaces arginine, which is basic and polar, with cysteine, which is neutral and slightly polar, at codon 36 of the SERPINI1 protein (p.Arg36Cys). This variant is present in population databases (no rsID available, gnomAD 0.003%). This variant has not been reported in the literature in individuals affected with SERPINI1-related conditions. ClinVar contains an entry for this variant (Variation ID: 466611). Advanced modeling of protein sequence and biophysical properties (such as structural, functional, and spatial information, amino acid conservation, physicochemical variation, residue mobility, and thermodynamic stability) performed at Invitae indicates that this missense variant is not expected to disrupt SERPINI1 protein function with a negative predictive value of 80%. In summary, the available evidence is currently insufficient to determine the role of this variant in disease. Therefore, it has been classified as a Variant of Uncertain Significance.